The following is an entry in ClinVar:

ClinVar aggregate classification (germline): Uncertain significance (1 of 4 stars; one submission).

Conditions:
Postaxial polydactyly-anterior pituitary anomalies-facial dysmorphism syndrome. Also called: Culler-Jones syndrome. Identifiers: Orphanet 420584, MedGen C4014479, MONDO:0014369, OMIM 615849.

Allele frequency attached by ClinVar (database versions not stated): TOPMed 0.00001; gnomAD exomes 0.00001; ExAC 0.00002; gnomAD 0.00001.
gnomAD v4.1: 18 of 1,603,800 alleles (0.0011%); highest among the groups gnomAD compares: East Asian, 0.0045%; no homozygotes.

Submission:

Johns Hopkins Genomics, Johns Hopkins University
Classification: Uncertain significance for Postaxial polydactyly-anterior pituitary anomalies-facial dysmorphism syndrome. Last evaluated: 2020-10-01. Review status: criteria provided, single submitter. Criteria: ACMG Guidelines, 2015. Collection method: clinical testing. Allele origin: germline.
Comment: This GLI2 variant (rs768928173) is rare (<0.1%) in a large population dataset (gnomAD: 3/233630 total alleles; 0.001%; no homozygotes) and has not been reported previously in the literature to our knowledge. Two bioinformatics tools predict this variant would be tolerated while another predicts it would be damaging. The glutamate at this position is conserved across most species assessed except sarcopterygii, which have aspartate at this position. This variant is not predicted to affect normal exon 13 splicing, although this has not been confirmed experimentally to our knowledge. Due to insufficient evidence, we consider the clinical significance of c.4126G>A to be uncertain at this time.

Literature cited by the submitters: PubMed 22967285; PubMed 31292255.

NM_001374353.1(GLI2):c.4075G>A (p.Glu1359Lys)

Gene: GLI2 (GLI family zinc finger 2; plus strand). Cytogenetic location: 2q14.2.
Variant type: single nucleotide variant.
Coding change: c.4075G>A on transcript NM_001374353.1 (MANE Select); coding-DNA position 4075, G replaced by A.
Protein change: p.Glu1359Lys; replaces glutamic acid 1359 with lysine.
Molecular consequence: missense variant.
Genome position (GRCh38, 1-based): chr2:120,990,040, G>A. VCF-style: chr2-120990040-G-A. GRCh37 (hg19) VCF-style: chr2-121747616-G-A.
Other names: c.4126G>A, p.Glu1376Lys (NM_001371271.1, NM_005270.5); c.3700G>A, p.Glu1234Lys (NM_001374354.1); short protein forms E1234K, E1359K, E1376K.
Identifiers: ClinVar variation 981515 (VCV000981515.1), dbSNP rs768928173, ClinGen allele CA1852547.